The following is an entry in ClinVar:

ClinVar aggregate classification (germline): Likely benign. Review status: criteria provided, multiple submitters, no conflicts (2 of 4 stars). 4 submissions from 4 submitters: Likely benign (4). Last evaluated 2026-01-05.

Conditions:
PLEKHG5-related disorder. Also called: PLEKHG5-related condition.
Inborn genetic diseases. Identifiers: MedGen C0950123, MeSH D030342.
Charcot-Marie-Tooth disease recessive intermediate C. Also called: CHARCOT-MARIE-TOOTH NEUROPATHY, RECESSIVE INTERMEDIATE C. Identifiers: Orphanet 369867, MedGen C3809309, MONDO:0014154, OMIM 615376.
Neuronopathy, distal hereditary motor, autosomal recessive 4. Also called: Autosomal recessive lower motor neuron disease with childhood onset; NEUROPATHY, DISTAL HEREDITARY MOTOR, AUTOSOMAL RECESSIVE 4. Identifiers: Orphanet 206580, MedGen C1970211, MONDO:0012608, OMIM 611067.

Allele frequency attached by ClinVar (database versions not stated): TOPMed 0.00051; gnomAD exomes 0.00003 and 0.00004; 1000 Genomes Project 30x 0.00016; gnomAD 0.00018; 1000 Genomes Project 0.00020.
gnomAD v4.1: 73 of 1,543,474 alleles (0.0047%); highest among the groups gnomAD compares: Admixed American, 0.083%; 1 homozygote.

Submissions (4):

Labcorp Genetics (formerly Invitae), Labcorp
Classification: Likely benign for Neuronopathy, distal hereditary motor, autosomal recessive 4; Charcot-Marie-Tooth disease recessive intermediate C. Last evaluated: 2026-01-05. Review status: criteria provided, single submitter. Criteria: Invitae Variant Classification Sherloc (09022015). Collection method: clinical testing. Allele origin: germline.

PreventionGenetics, part of Exact Sciences
Classification: Likely benign for PLEKHG5-related condition. Last evaluated: 2025-05-07. Review status: criteria provided, single submitter. Criteria: ACMG Guidelines, 2015. Collection method: clinical testing. Allele origin: germline.
Comment: This variant is classified as likely benign based on ACMG/AMP sequence variant interpretation guidelines (Richards et al. 2015 PMID: 25741868, with internal and published modifications).

Ambry Genetics
Classification: Likely benign for Inborn genetic diseases. Last evaluated: 2019-07-11. Review status: criteria provided, single submitter. Criteria: Ambry Variant Classification Scheme 2023. Collection method: clinical testing. Allele origin: germline.

GeneDx
Classification: Likely benign. Last evaluated: 2018-07-23. Review status: criteria provided, single submitter. Criteria: GeneDx Variant Classification Process June 2021. Collection method: clinical testing. Allele origin: germline. Affected: yes.

NM_020631.6(PLEKHG5):c.639G>A (p.Ala213=)

Gene: PLEKHG5 (pleckstrin homology and RhoGEF domain containing G5; minus strand). Cytogenetic location: 1p36.31.
Variant type: single nucleotide variant.
Coding change: c.639G>A on transcript NM_020631.6 (MANE Select); coding-DNA position 639, G replaced by A.
Protein change: p.Ala213=; no amino-acid change (alanine 213 retained).
Molecular consequence: synonymous variant.
Genome position (GRCh38, 1-based): chr1:6,473,407, C>T on the plus strand (G>A on the coding strand, the complement: PLEKHG5 is on the minus strand). VCF-style: chr1-6473407-C-T. GRCh37 (hg19) VCF-style: chr1-6533467-C-T.
Other names: c.750G>A, p.Ala250= (NM_001042663.3, NM_001265592.2); c.639G>A, p.Ala213= (NM_001042664.2, NM_001042665.2, NM_001265594.3 and 1 more transcripts); c.846G>A, p.Ala282= (NM_001265593.2).
Identifiers: ClinVar variation 386160 (VCV000386160.16), dbSNP rs560366406, ClinGen allele CA16603690.